The following is an entry in ClinVar:

NM_001165963.4(SCN1A):c.3643G>A (p.Val1215Ile)

Genes: SCN1A (sodium voltage-gated channel alpha subunit 1; minus strand), LOC102724058 (uncharacterized LOC102724058; plus strand). Cytogenetic location: 2q24.3.
Variant type: single nucleotide variant.
Coding change: c.3643G>A on transcript NM_001165963.4 (MANE Select); coding-DNA position 3643, G replaced by A.
Protein change: p.Val1215Ile; replaces valine 1215 with isoleucine.
Molecular consequence: missense variant. On other transcripts: non-coding transcript variant (1).
Genome position (GRCh38, 1-based): chr2:166,013,806, C>T on the plus strand (G>A on the coding strand, the complement: SCN1A is on the minus strand). VCF-style: chr2-166013806-C-T. GRCh37 (hg19) VCF-style: chr2-166870316-C-T.
Other names: c.3643G>A, p.Val1215Ile (NM_001353948.2, NM_001202435.3); c.3610G>A, p.Val1204Ile (NM_001353949.2, NM_001353950.2, NM_001353951.2 and 2 more transcripts); c.3607G>A, p.Val1203Ile (NM_001353954.2, NM_001353955.2); c.3559G>A, p.Val1187Ile (NM_001353957.2, NM_001353958.2, NM_001165964.3); c.3556G>A, p.Val1186Ile (NM_001353960.2); c.1201G>A, p.Val401Ile (NM_001353961.2); short protein forms V1186I, V1187I, V1215I, V401I, V1203I, V1204I.
Identifiers: ClinVar variation 2814171 (VCV002814171.3), dbSNP rs2468531634, ClinGen allele CA349056046.
Genomic context (GRCh38, chr2:166,013,806, plus strand): 5'-GAGCACCACTACTAAGGAGAATCATGAAAACAATGAAGGTCTCAAACCAGTTATGTTCAA[C>T]TATTCGGAAACACGTCCTTCTCAGGTTCCACCATTGTTTTCCTCTGCCTTCTTCCACATT-3'
Protein context (NP_001159435.1, residues 1205-1225): WNLRRTCFRI[Val1215Ile]EHNWFETFIV

ClinVar aggregate classification (germline): Likely pathogenic (1 of 4 stars; one submission).

Conditions:
Early-infantile DEE. Also called: Early infantile epileptic encephalopathy; Early infantile epileptic encephalopathy with suppression bursts; Ohtahara syndrome. Identifiers: Orphanet 1934, MedGen C0393706, MONDO:0800491.

Submission:

Labcorp Genetics (formerly Invitae), Labcorp
Classification: Likely pathogenic for Early-infantile DEE. Last evaluated: 2022-11-14. Review status: criteria provided, single submitter. Criteria: Invitae Variant Classification Sherloc (09022015). Collection method: clinical testing. Allele origin: germline.
Comment: This sequence change replaces valine, which is neutral and non-polar, with isoleucine, which is neutral and non-polar, at codon 1215 of the SCN1A protein (p.Val1215Ile). In summary, the currently available evidence indicates that the variant is pathogenic, but additional data are needed to prove that conclusively. Therefore, this variant has been classified as Likely Pathogenic. This variant disrupts the p.Val1215 amino acid residue in SCN1A. Other variant(s) that disrupt this residue have been determined to be pathogenic (Invitae). This suggests that this residue is clinically significant, and that variants that disrupt this residue are likely to be disease-causing. Advanced modeling of protein sequence and biophysical properties (such as structural, functional, and spatial information, amino acid conservation, physicochemical variation, residue mobility, and thermodynamic stability) performed at Invitae indicates that this missense variant is expected to disrupt SCN1A protein function. This variant has not been reported in the literature in individuals affected with SCN1A-related conditions. This variant is not present in population databases (gnomAD no frequency).